The following is an entry in ClinVar:

ClinVar aggregate classification (germline): Likely benign (1 of 4 stars; one submission).

Allele frequency attached by ClinVar (database versions not stated): ExAC 0.00032; 1000 Genomes Project 30x 0.00078; 1000 Genomes Project 0.00080; gnomAD 0.00084; ESP Exome Variant Server 0.00142.
gnomAD v4.1: 276 of 1,612,788 alleles (0.017%); highest among the groups gnomAD compares: African/African-American, 0.33%; no homozygotes.

Submission:

CeGaT Center for Human Genetics Tuebingen
Classification: Likely benign. Last evaluated: 2023-04-01. Review status: criteria provided, single submitter. Criteria: CeGaT Center For Human Genetics Tuebingen Variant Classification Criteria Version 2. Collection method: clinical testing. Allele origin: germline. Affected: yes. Observed: 1 variant allele.
Comment: AHNAK2: BP4, BP7

NM_138420.4(AHNAK2):c.12114G>A (p.Glu4038=)

Gene: AHNAK2 (AHNAK nucleoprotein 2; minus strand). Cytogenetic location: 14q32.33.
Variant type: single nucleotide variant.
Coding change: c.12114G>A on transcript NM_138420.4 (MANE Select); coding-DNA position 12114, G replaced by A.
Protein change: p.Glu4038=; no amino-acid change (glutamic acid 4038 retained).
Molecular consequence: synonymous variant.
Genome position (GRCh38, 1-based): chr14:104,943,337, C>T on the plus strand (G>A on the coding strand, the complement: AHNAK2 is on the minus strand). VCF-style: chr14-104943337-C-T. GRCh37 (hg19) VCF-style: chr14-105409674-C-T.
Other names: c.11814G>A, p.Glu3938= (NM_001350929.2).
Identifiers: ClinVar variation 2644648 (VCV002644648.24), dbSNP rs375501221, ClinGen allele CA7378461.